The following is an entry in ClinVar:

ClinVar aggregate classification (germline): Pathogenic/Likely pathogenic. Review status: criteria provided, multiple submitters, no conflicts (2 of 4 stars). 2 submissions from 2 submitters: Pathogenic (1); Likely pathogenic (1). Last evaluated 2026-07-01.

Conditions:
Glycogen storage disease, type II (IOPD). Also called: CARDIOMEGALIA GLYCOGENICA DIFFUSA; Glycogen storage disease type 2; Acid maltase deficiency disease; Aglucosidase alfa; Deficiency of alpha-glucosidase; Deficiency of lysosomal alpha-glucosidase. Identifiers: Orphanet 365, MedGen C0017921, MONDO:0009290, OMIM 232300.

Submissions (2):

Genomenon, Inc
Classification: Pathogenic for Glycogen storage disease, type II. Last evaluated: 2026-07-01. Review status: criteria provided, single submitter. Criteria: Genomenon Sequence Variant Interpretation Standards - Updated. Collection method: curation. Allele origin: germline. Affected: yes.
Comment: GAA p.Trp279Ter (c.836G>A) is a nonsense variant that introduces a premature stop codon at amino acid position 279 and is predicted to result in a truncated or absent protein product. This variant has been observed in at least one proband with a GAA-related disorder (PMID:23463700). It is absent or not present at a significant frequency in gnomAD. In conclusion, we classify GAA p.Trp279Ter (c.836G>A) as a pathogenic variant.

Women's Health and Genetics/Laboratory Corporation of America, LabCorp
Classification: Likely pathogenic for Glycogen storage disease, type II. Last evaluated: 2019-09-23. Review status: criteria provided, single submitter. Criteria: LabCorp Variant Classification Summary - May 2015. Collection method: clinical testing. Allele origin: germline.
Comment: Variant summary: GAA c.836G>A (p.Trp279X) results in a premature termination codon, predicted to cause a truncation of the encoded protein or absence of the protein due to nonsense mediated decay, which are commonly known mechanisms for disease. Truncations downstream of this position have been classified as pathogenic by our laboratory. The variant was absent in 249974 control chromosomes (gnomAD). c.836G>A has been reported in the literature in individuals affected with Glycogen Storage Disease, Type 2 (Pompe Disease) (Dubrovsky_2013, Mori_2017). These data indicate that the variant may be associated with disease. To our knowledge, no experimental evidence demonstrating an impact on protein function has been reported. No clinical diagnostic laboratories have submitted clinical-significance assessments for this variant to ClinVar after 2014. Based on the evidence outlined above, the variant was classified as likely pathogenic.

Literature cited by the submitters: PubMed 23463700 (cited by Genomenon, Inc and Women's Health and Genetics/Laboratory Corporation of America, LabCorp); PubMed 22644586 (cited by Women's Health and Genetics/Laboratory Corporation of America, LabCorp); PubMed 29122469 (cited by Women's Health and Genetics/Laboratory Corporation of America, LabCorp).

NM_000152.5(GAA):c.836G>A (p.Trp279Ter)

Gene: GAA (alpha glucosidase; plus strand). Cytogenetic location: 17q25.3.
Variant type: single nucleotide variant.
Coding change: c.836G>A on transcript NM_000152.5 (MANE Select); coding-DNA position 836, G replaced by A.
Protein change: p.Trp279Ter; replaces tryptophan 279 with a stop codon.
Molecular consequence: nonsense.
Genome position (GRCh38, 1-based): chr17:80,107,700, G>A. VCF-style: chr17-80107700-G-A. GRCh37 (hg19) VCF-style: chr17-78081499-G-A.
Other names: c.836G>A, p.Trp279Ter (NM_001079803.3, NM_001079804.3); short protein forms W279*.
Identifiers: ClinVar variation 928706 (VCV000928706.3), dbSNP rs2039122730, ClinGen allele CA401363637.